The following is an entry in ClinVar:

NM_024312.5(GNPTAB):c.395_396del (p.His132fs)

Gene: GNPTAB (N-acetylglucosamine-1-phosphate transferase subunits alpha and beta; minus strand). Cytogenetic location: 12q23.2.
Variant type: Microsatellite.
Coding change: c.395_396del on transcript NM_024312.5 (MANE Select); coding-DNA positions 395 to 396, 2 bases deleted (AC; older notation c.395_396delAC).
Protein change: p.His132fs; shifts the reading frame from histidine 132.
Molecular consequence: frameshift variant.
Genome position (GRCh38, 1-based): chr12:101,786,187-101,786,188, GT deleted on the plus strand (AC on the coding strand, the reverse complement: GNPTAB is on the minus strand); deleting any 2 consecutive bases within chr12:101,786,187-101,786,192 gives the same sequence; the c. name uses the placement nearest the transcript's 3' end. VCF-style (leftmost placement, unchanged base first): chr12-101786186-AGT-A. GRCh37 (hg19) VCF-style: chr12-102179964-AGT-A.
Other names: short protein forms H132fs.
Identifiers: ClinVar variation 5012766 (VCV005012766.1).

ClinVar aggregate classification (germline): Pathogenic (1 of 4 stars; one submission).

Conditions:
GNPTAB-mucolipidosis. Also called: UDP-N-acetylglucosamine-1-phosphotransferase subunit alpha/beta deficiency. Identifiers: MedGen CN322573, MONDO:0100122.

Submission:

Myriad Genetics, Inc.
Classification: Pathogenic for GNPTAB-mucolipidosis. Last evaluated: 2024-02-20. Review status: criteria provided, single submitter. Criteria: Myriad Autosomal Dominant, Autosomal Recessive and X-Linked Classification Criteria (2023). Collection method: clinical testing. Allele origin: unknown.
Comment: NM_024312.4(GNPTAB):c.395_396delAC(H132Lfs*3) is expected to be pathogenic in the context of GNPTAB-related disorders. This variant is predicted to lead to an abnormal or absent protein product due to the creation of a premature termination codon in GNPTAB, a gene where loss-of-function variants are known to be pathogenic. Please note: this variant was assessed in the context of healthy population screening.